The following is an entry in ClinVar:

NM_001042492.3(NF1):c.7805A>G (p.Asn2602Ser)

Gene: NF1 (neurofibromin 1; plus strand). Cytogenetic location: 17q11.2.
Variant type: single nucleotide variant.
Coding change: c.7805A>G on transcript NM_001042492.3 (MANE Select); coding-DNA position 7805, A replaced by G.
Protein change: p.Asn2602Ser; replaces asparagine 2602 with serine.
Molecular consequence: missense variant.
Genome position (GRCh38, 1-based): chr17:31,357,026, A>G. VCF-style: chr17-31357026-A-G. GRCh37 (hg19) VCF-style: chr17-29684044-A-G.
Other names: c.7742A>G, p.Asn2581Ser (NM_000267.4); short protein forms N2602S, N2581S.
Identifiers: ClinVar variation 1518267 (VCV001518267.10), dbSNP rs2151582358, ClinGen allele CA399018523.

ClinVar aggregate classification (germline): Conflicting classifications of pathogenicity. Review status: criteria provided, conflicting classifications (1 of 4 stars). 3 submissions from 3 submitters: Uncertain significance (2); Likely benign (1). Last evaluated 2026-05-26.

Conditions:
Hereditary cancer-predisposing syndrome. Also called: Tumor predisposition; Neoplastic Syndromes, Hereditary; Hereditary Cancer Syndrome; Hereditary neoplastic syndrome. Identifiers: Orphanet 140162, MedGen C0027672, MeSH D009386, MONDO:0015356.
Cardiovascular phenotype. Identifiers: MedGen CN230736.
Neurofibromatosis, type 1 (NF1). Also called: NEUROFIBROMATOSIS, TYPE I, SOMATIC; Peripheral type neurofibromatosis; VON RECKLINGHAUSEN DISEASE; Neurofibromatosis, type I. Identifiers: Orphanet 636, MedGen C0027831, MONDO:0018975, OMIM 162200. Disease mechanism: loss of function.
Juvenile myelomonocytic leukemia (JMML). Also called: LEUKEMIA, JUVENILE MYELOMONOCYTIC, SOMATIC. Identifiers: Orphanet 86834, MedGen C0349639, MONDO:0011908, OMIM 607785, HP:0012209.

gnomAD v4.1: 1 of 1,613,984 alleles (0.000062%); highest among the groups gnomAD compares: Non-Finnish European, 0.000085%; no homozygotes.

Submissions (3):

Ambry Genetics
Classification: Likely benign for Cardiovascular phenotype; Hereditary cancer-predisposing syndrome. Last evaluated: 2026-05-26. Review status: criteria provided, single submitter. Criteria: Ambry Variant Classification Scheme 2023. Collection method: clinical testing. Allele origin: germline.

Labcorp Genetics (formerly Invitae), Labcorp
Classification: Uncertain significance for Neurofibromatosis, type 1. Last evaluated: 2025-04-29. Review status: criteria provided, single submitter. Criteria: Invitae Variant Classification Sherloc (09022015). Collection method: clinical testing. Allele origin: germline.
Comment: This sequence change replaces asparagine, which is neutral and polar, with serine, which is neutral and polar, at codon 2581 of the NF1 protein (p.Asn2581Ser). This variant is not present in population databases (gnomAD no frequency). This variant has not been reported in the literature in individuals affected with NF1-related conditions. ClinVar contains an entry for this variant (Variation ID: 1518267). Invitae Evidence Modeling of protein sequence and biophysical properties (such as structural, functional, and spatial information, amino acid conservation, physicochemical variation, residue mobility, and thermodynamic stability) indicates that this missense variant is not expected to disrupt NF1 protein function with a negative predictive value of 95%. In summary, the available evidence is currently insufficient to determine the role of this variant in disease. Therefore, it has been classified as a Variant of Uncertain Significance.

Baylor Genetics
Classification: Uncertain significance for Juvenile myelomonocytic leukemia. Last evaluated: 2023-07-06. Review status: criteria provided, single submitter. Criteria: ACMG Guidelines, 2015. Collection method: clinical testing. Allele origin: unknown.